The following is an entry in ClinVar:

ClinVar aggregate classification (germline): Uncertain significance (1 of 4 stars; one submission).

gnomAD v4.1: 17 of 982,700 alleles (0.0017%); highest among the groups gnomAD compares: Non-Finnish European, 0.002%; no homozygotes.

Submission:

Women's Health and Genetics/Laboratory Corporation of America, LabCorp
Classification: Uncertain significance. Last evaluated: 2025-12-29. Review status: criteria provided, single submitter. Criteria: LabCorp Variant Classification Summary - May 2015. Collection method: clinical testing. Allele origin: germline.
Comment: Variant summary: B3GALT6 c.29G>A (p.Arg10Gln) results in a conservative amino acid change in the encoded protein sequence. Algorithms developed to predict the effect of missense changes on protein structure and function all suggest that this variant is likely to be tolerated. The frequency data for this variant in gnomAD is considered unreliable, as metrics indicate poor data quality at this position. To our knowledge, no occurrence of c.29G>A in individuals affected with B3GALT6-related conditions and no experimental evidence demonstrating its impact on protein function have been reported. No submitters have cited clinical-significance assessments for this variant to ClinVar. Based on the evidence outlined above, the variant was classified as uncertain significance.

NM_080605.4(B3GALT6):c.29G>A (p.Arg10Gln)

Gene: B3GALT6 (beta-1,3-galactosyltransferase 6; plus strand). Cytogenetic location: 1p36.33.
Variant type: single nucleotide variant.
Coding change: c.29G>A on transcript NM_080605.4 (MANE Select); coding-DNA position 29, G replaced by A.
Protein change: p.Arg10Gln; replaces arginine 10 with glutamine.
Molecular consequence: missense variant.
Genome position (GRCh38, 1-based): chr1:1,232,307, G>A. VCF-style: chr1-1232307-G-A. GRCh37 (hg19) VCF-style: chr1-1167687-G-A.
Other names: short protein forms R10Q.
Identifiers: ClinVar variation 4688734 (VCV004688734.1).
Genomic context (GRCh38, chr1:1,232,307, plus strand): 5'-CCGGCCTGGGCCGCCGGCCCGGCGCGGGCGCCATGAAGCTGCTGCGGCGGGCGTGGCGGC[G>A]GCGGGCGGCGCTAGGCCTGGGCACGCTGGCGCTGTGCGGGGCGGCGCTGCTCTACCTGGC-3'
Protein context (NP_542172.2, residues 1-20): MKLLRRAWR[Arg10Gln]RAALGLGTLA